The following is an entry in ClinVar:

NM_014806.5(RUSC2):c.4189C>T (p.Arg1397Trp)

Gene: RUSC2 (RUN and SH3 domain containing 2; plus strand). Cytogenetic location: 9p13.3.
Variant type: single nucleotide variant.
Coding change: c.4189C>T on transcript NM_014806.5 (MANE Select); coding-DNA position 4189, C replaced by T.
Protein change: p.Arg1397Trp; replaces arginine 1397 with tryptophan.
Molecular consequence: missense variant. On other transcripts: non-coding transcript variant (1).
Genome position (GRCh38, 1-based): chr9:35,560,829, C>T. VCF-style: chr9-35560829-C-T. GRCh37 (hg19) VCF-style: chr9-35560826-C-T.
Other names: c.4189C>T, p.Arg1397Trp (NM_001135999.2); c.1555C>T, p.Arg519Trp (NM_001330740.2); short protein forms R1397W, R519W.
Identifiers: ClinVar variation 2184012 (VCV002184012.4), dbSNP rs769521071, ClinGen allele CA5044304.

ClinVar aggregate classification (germline): Uncertain significance (1 of 4 stars; one submission).

Allele frequency attached by ClinVar (database versions not stated): ExAC 0.00001.
gnomAD v4.1: 5 of 1,530,848 alleles (0.00033%); highest among the groups gnomAD compares: South Asian, 0.0052%; no homozygotes.

Submission:

Labcorp Genetics (formerly Invitae), Labcorp
Classification: Uncertain significance. Last evaluated: 2024-10-15. Review status: criteria provided, single submitter. Criteria: Invitae Variant Classification Sherloc (09022015). Collection method: clinical testing. Allele origin: germline.
Comment: This sequence change replaces arginine, which is basic and polar, with tryptophan, which is neutral and slightly polar, at codon 1397 of the RUSC2 protein (p.Arg1397Trp). The frequency data for this variant in the population databases is considered unreliable, as metrics indicate poor data quality at this position in the gnomAD database. This variant has not been reported in the literature in individuals affected with RUSC2-related conditions. ClinVar contains an entry for this variant (Variation ID: 2184012). An algorithm developed to predict the effect of missense changes on protein structure and function (PolyPhen-2) suggests that this variant is likely to be disruptive. In summary, the available evidence is currently insufficient to determine the role of this variant in disease. Therefore, it has been classified as a Variant of Uncertain Significance.